The following is an entry in ClinVar:

ClinVar aggregate classification (germline): Conflicting classifications of pathogenicity. Review status: criteria provided, conflicting classifications (1 of 4 stars). 10 submissions from 10 submitters: Uncertain significance (1); Likely benign (9). Last evaluated 2026-01-22.

Conditions:
Familial thoracic aortic aneurysm and aortic dissection (TAAD). Also called: Thoracic aortic aneurysms and dissections. Identifiers: Orphanet 91387, MedGen C4707243, MONDO:0019625.

Allele frequency attached by ClinVar (database versions not stated): gnomAD exomes 0.00012 and 0.00026; ESP Exome Variant Server 0.00015; ExAC 0.00020; gnomAD 0.00021 and 0.00022; TOPMed 0.00029.
gnomAD v4.1: 230 of 1,614,184 alleles (0.014%); highest among the groups gnomAD compares: Admixed American, 0.032%; 1 homozygote.

Submissions (10):

Labcorp Genetics (formerly Invitae), Labcorp
Classification: Likely benign for Familial thoracic aortic aneurysm and aortic dissection. Last evaluated: 2026-01-22. Review status: criteria provided, single submitter. Criteria: Invitae Variant Classification Sherloc (09022015). Collection method: clinical testing. Allele origin: germline.

CeGaT Center for Human Genetics Tuebingen
Classification: Likely benign. Last evaluated: 2025-12-01. Review status: criteria provided, single submitter. Criteria: CeGaT Center For Human Genetics Tuebingen Variant Classification Criteria Version 2. Collection method: clinical testing. Allele origin: germline. Affected: yes. Observed: 11 variant alleles.
Comment: TGFBR1: BP4, BS2

Blueprint Genetics
Classification: Likely benign. Last evaluated: 2024-05-27. Review status: criteria provided, single submitter. Criteria: ACMG Guidelines, 2015. Collection method: clinical testing. Allele origin: germline.

ARUP Laboratories, Molecular Genetics and Genomics, ARUP Laboratories
Classification: Likely benign. Last evaluated: 2023-12-01. Review status: criteria provided, single submitter. Criteria: ARUP Molecular Germline Variant Investigation Process 2024. Collection method: clinical testing. Allele origin: germline.

GeneDx
Classification: Likely benign. Last evaluated: 2020-11-24. Review status: criteria provided, single submitter. Criteria: GeneDx Variant Classification Process June 2021. Collection method: clinical testing. Allele origin: germline. Affected: yes.
Comment: This variant is associated with the following publications: (PMID: 24793577)

Color Diagnostics, LLC DBA Color Health
Classification: Likely benign for Familial thoracic aortic aneurysm and aortic dissection. Last evaluated: 2018-11-08. Review status: criteria provided, single submitter. Criteria: ACMG Guidelines, 2015. Collection method: clinical testing. Allele origin: germline.

Ambry Genetics
Classification: Likely benign for Familial thoracic aortic aneurysm and aortic dissection. Last evaluated: 2018-08-14. Review status: criteria provided, single submitter. Criteria: Ambry Variant Classification Scheme 2023. Collection method: clinical testing. Allele origin: germline.

Women's Health and Genetics/Laboratory Corporation of America, LabCorp
Classification: Likely benign. Last evaluated: 2017-10-13. Review status: criteria provided, single submitter. Criteria: LabCorp Variant Classification Summary - May 2015. Collection method: clinical testing. Allele origin: germline.
Comment: Variant summary: The c.415A>G (p.Ile139Val) in TGFBR1 gene is a missense change that involves the alteration of a non- conserved nucleotide and 5/4 in silico tools predict benign outcome. The variant was observed in the control datasets of the ExAC and gnomAD at a frequency of 0.00025 (24/121346 and 62/245812 chrs tested, including 1 homozygote). The observed frequency exceeds the maximal expected allele frequency for a pathogenic variant in this gene (0.000002). The variant has been identified in 1 individual with suspected MSF/LDS or TAAD, without strong evidence for causality (Lerner-Ellis_2014). In addition, one clinical laboratory reports co-occurrence of this variant with unspecified pathogenic cardiogenetic variant with disclosure that segregation analysis was not performed. Although several reputable databases/diagnostic centers classified the variant of interest as VUS/Likely Benign, by applying ACMG rules the variant was classified as Likely Benign.

Center for Human Genetics, Inc
Classification: Likely benign for Familial thoracic aortic aneurysm and aortic dissection. Last evaluated: 2016-11-01. Review status: criteria provided, single submitter. Criteria: ACMG Guidelines, 2015. Collection method: clinical testing. Allele origin: germline. Affected: yes.

Laboratory for Molecular Medicine, Mass General Brigham Personalized Medicine
Classification: Uncertain significance. Last evaluated: 2016-02-11. Review status: criteria provided, single submitter. Criteria: LMM Criteria. Collection method: clinical testing. Allele origin: germline. Observed: 1 variant allele.
Comment: proposed classification - variant undergoing re-assessment, contact laboratory

Literature cited by the submitters: PubMed 24793577 (cited by Ambry Genetics).

NM_004612.4(TGFBR1):c.415A>G (p.Ile139Val)

Gene: TGFBR1 (transforming growth factor beta receptor 1; plus strand). Cytogenetic location: 9q22.33.
Variant type: single nucleotide variant.
Coding change: c.415A>G on transcript NM_004612.4 (MANE Select); coding-DNA position 415, A replaced by G.
Protein change: p.Ile139Val; replaces isoleucine 139 with valine.
Molecular consequence: missense variant. On other transcripts: intron variant (1).
Genome position (GRCh38, 1-based): chr9:99,132,580, A>G. VCF-style: chr9-99132580-A-G. GRCh37 (hg19) VCF-style: chr9-101894862-A-G.
Other names: c.427A>G, p.Ile143Val (NM_001306210.2); c.343+3480A>G (NM_001130916.3); short protein forms I139V, I143V.
Identifiers: ClinVar variation 177810 (VCV000177810.67), dbSNP rs148176750, ClinGen allele CA008552.